The following is an entry in ClinVar:

ClinVar aggregate classification (germline): Likely pathogenic (1 of 4 stars; one submission).

Conditions:
Hereditary cancer-predisposing syndrome. Also called: Hereditary neoplastic syndrome; Tumor predisposition; Neoplastic Syndromes, Hereditary; Hereditary Cancer Syndrome. Identifiers: Orphanet 140162, MedGen C0027672, MeSH D009386, MONDO:0015356.

Submission:

Sema4
Classification: Likely pathogenic for Hereditary cancer-predisposing syndrome. Last evaluated: 2021-06-28. Review status: criteria provided, single submitter. Criteria: Sema4 Curation Guidelines. Collection method: curation. Allele origin: germline.
Comment: To the best of our knowledge, the CDH1 c.2430dupT (p.I811TfsX2) variant has not been reported in individuals with CDH1-related disease. As this variant is not predicted to cause nonsense-mediated decay, the protein product is expected to be truncated. Loss of function variants in CDH1 are known to be pathogenic (PMID: 15235021, 20373070). This variant is not reported in the population database Genome Aggregation Database (PMID: 32461654). Based on the current evidence available, this variant is interpreted as likely pathogenic.

Literature cited by the submitters: PubMed 15235021; PubMed 20373070.

NM_004360.5(CDH1):c.2430dup (p.Ile811fs)

Gene: CDH1 (cadherin 1; plus strand). Cytogenetic location: 16q22.1.
Variant type: Duplication.
Coding change: c.2430dup on transcript NM_004360.5 (MANE Select); coding-DNA position 2430, one base duplicated (T; older notation c.2430dupT).
Protein change: p.Ile811fs; shifts the reading frame from isoleucine 811.
Molecular consequence: frameshift variant.
Genome position (GRCh38, 1-based): chr16:68,829,788, T duplicated; the last of 4 consecutive T bases (chr16:68,829,785-68,829,788); duplicating any one gives the same sequence. VCF-style (leftmost placement, unchanged base first): chr16-68829784-A-AT. GRCh37 (hg19) VCF-style: chr16-68863687-A-AT.
Other names: c.2247dup, p.Ile750fs (NM_001317184.2); c.882dup, p.Ile295fs (NM_001317185.2); c.465dup, p.Ile156fs (NM_001317186.2); short protein forms I156fs, I295fs, I750fs, I811fs.
Identifiers: ClinVar variation 1692796 (VCV001692796.1), dbSNP rs786203752, ClinGen allele CA2573152660.